The following is an entry in ClinVar:

ClinVar aggregate classification (germline): Likely benign (1 of 4 stars; one submission).

Submission:

CeGaT Center for Human Genetics Tuebingen
Classification: Likely benign. Last evaluated: 2025-03-01. Review status: criteria provided, single submitter. Criteria: CeGaT Center For Human Genetics Tuebingen Variant Classification Criteria Version 2. Collection method: clinical testing. Allele origin: germline. Affected: yes. Observed: 3 variant alleles.
Comment: SPEG: BP4, BP7

NM_005876.5(SPEG):c.8439A>C (p.Thr2813=)

Genes: ASIC4-AS1 (ASIC4 antisense RNA 1; minus strand), SPEG (striated muscle enriched protein kinase; plus strand). Cytogenetic location: 2q35.
Variant type: single nucleotide variant.
Coding change: c.8439A>C on transcript NM_005876.5 (MANE Select); coding-DNA position 8439, A replaced by C.
Protein change: p.Thr2813=; no amino-acid change (threonine 2813 retained).
Molecular consequence: synonymous variant.
Genome position (GRCh38, 1-based): chr2:219,489,457, A>C. VCF-style: chr2-219489457-A-C. GRCh37 (hg19) VCF-style: chr2-220354179-A-C.
Identifiers: ClinVar variation 2651929 (VCV002651929.24), dbSNP rs1433204718, ClinGen allele CA431431734.